The following is an entry in ClinVar:

ClinVar aggregate classification (germline): Uncertain significance (1 of 4 stars; one submission).

Submission:

Labcorp Genetics (formerly Invitae), Labcorp
Classification: Uncertain significance. Last evaluated: 2025-07-04. Review status: criteria provided, single submitter. Criteria: Invitae Variant Classification Sherloc (09022015). Collection method: clinical testing. Allele origin: germline.
Comment: This sequence change replaces histidine, which is basic and polar, with arginine, which is basic and polar, at codon 1354 of the NYNRIN protein (p.His1354Arg). This variant is not present in population databases (gnomAD no frequency). This variant has not been reported in the literature in individuals affected with NYNRIN-related conditions. Experimental studies and prediction algorithms are not available or were not evaluated, and the functional significance of this variant is currently unknown. In summary, the available evidence is currently insufficient to determine the role of this variant in disease. Therefore, it has been classified as a Variant of Uncertain Significance.

NM_025081.3(NYNRIN):c.4061A>G (p.His1354Arg)

Gene: NYNRIN (NYN domain and retroviral integrase containing; plus strand). Cytogenetic location: 14q12.
Variant type: single nucleotide variant.
Coding change: c.4061A>G on transcript NM_025081.3 (MANE Select); coding-DNA position 4061, A replaced by G.
Protein change: p.His1354Arg; replaces histidine 1354 with arginine.
Molecular consequence: missense variant.
Genome position (GRCh38, 1-based): chr14:24,415,810, A>G. VCF-style: chr14-24415810-A-G. GRCh37 (hg19) VCF-style: chr14-24885016-A-G.
Other names: short protein forms H1354R.
Identifiers: ClinVar variation 4722680 (VCV004722680.1).